The following is an entry in ClinVar:

NM_001395254.1(ZNF185):c.2163C>G (p.Leu721=)

Gene: ZNF185 (zinc finger protein 185 with LIM domain; plus strand). Cytogenetic location: Xq28.
Variant type: single nucleotide variant.
Coding change: c.2163C>G on transcript NM_001395254.1 (MANE Select); coding-DNA position 2163, C replaced by G.
Protein change: p.Leu721=; no amino-acid change (leucine 721 retained).
Molecular consequence: synonymous variant.
Genome position (GRCh38, 1-based): chrX:152,970,535, C>G. VCF-style: chrX-152970535-C-G. GRCh37 (hg19) VCF-style: chrX-152139079-C-G.
Other names: c.2160C>G, p.Leu720= (NM_001178106.1); c.2073C>G, p.Leu691= (NM_001178107.1); c.2067C>G, p.Leu689= (NM_001178108.2, NM_001388432.2); c.1977C>G, p.Leu659= (NM_001178109.1); c.1887C>G, p.Leu629= (NM_001178110.1); c.1401C>G, p.Leu467= (NM_001178113.2); c.978C>G, p.Leu326= (NM_001178115.2); c.2064C>G, p.Leu688= (NM_007150.3).
Identifiers: ClinVar variation 725223 (VCV000725223.28), dbSNP rs782769408, ClinGen allele CA10545538.

ClinVar aggregate classification (germline): Likely benign. Review status: criteria provided, multiple submitters, no conflicts (2 of 4 stars). 2 submissions from 2 submitters: Likely benign (2). Last evaluated 2022-04-01.

Allele frequency attached by ClinVar (database versions not stated): ExAC 0.00006; gnomAD exomes 0.00008 and 0.00013; TOPMed 0.00010; gnomAD 0.00014.
gnomAD v4.1: 161 of 1,207,586 alleles (0.013%); highest among the groups gnomAD compares: Non-Finnish European, 0.017%; no homozygotes.

Submissions (2):

CeGaT Center for Human Genetics Tuebingen
Classification: Likely benign. Last evaluated: 2022-04-01. Review status: criteria provided, single submitter. Criteria: CeGaT Center For Human Genetics Tuebingen Variant Classification Criteria Version 2. Collection method: clinical testing. Allele origin: germline. Affected: yes. Observed: 1 variant allele.
Comment: ZNF185: BP4, BP7

Labcorp Genetics (formerly Invitae), Labcorp
Classification: Likely benign. Last evaluated: 2018-03-05. Review status: criteria provided, single submitter. Criteria: Invitae Variant Classification Sherloc (09022015). Collection method: clinical testing. Allele origin: germline.